The following is an entry in ClinVar:

ClinVar aggregate classification (germline): Likely benign (1 of 4 stars; one submission).

Allele frequency attached by ClinVar (database versions not stated): TOPMed below 0.00001; ExAC 0.00001; gnomAD exomes 0.00001.
gnomAD v4.1: 13 of 1,604,522 alleles (0.00081%); highest among the groups gnomAD compares: Non-Finnish European, 0.0011%; no homozygotes.

Submission:

CeGaT Center for Human Genetics Tuebingen
Classification: Likely benign. Last evaluated: 2024-01-01. Review status: criteria provided, single submitter. Criteria: CeGaT Center For Human Genetics Tuebingen Variant Classification Criteria Version 2. Collection method: clinical testing. Allele origin: germline. Affected: yes. Observed: 2 variant alleles.
Comment: IARS1: BP4, BP7

NM_002161.6(IARS1):c.3720C>T (p.Asp1240=)

Gene: IARS1 (isoleucyl-tRNA synthetase 1; minus strand). Cytogenetic location: 9q22.31.
Variant type: single nucleotide variant.
Coding change: c.3720C>T on transcript NM_002161.6 (MANE Select); coding-DNA position 3720, C replaced by T.
Protein change: p.Asp1240=; no amino-acid change (aspartic acid 1240 retained).
Molecular consequence: synonymous variant. On other transcripts: non-coding transcript variant (1).
Genome position (GRCh38, 1-based): chr9:92,210,876, G>A on the plus strand (C>T on the coding strand, the complement: IARS1 is on the minus strand). VCF-style: chr9-92210876-G-A. GRCh37 (hg19) VCF-style: chr9-94973158-G-A.
Other names: c.3645C>T, p.Asp1215= (NM_001374299.1, NM_001374300.1); c.3636C>T, p.Asp1212= (NM_001374301.1); c.3783C>T, p.Asp1261= (NM_001378569.1); c.3741C>T, p.Asp1247= (NM_001378571.1, NM_001378572.1); c.3720C>T, p.Asp1240= (NM_001378573.1, NM_001378574.1, NM_001378575.1 and 2 more transcripts); c.3678C>T, p.Asp1226= (NM_001378577.1); c.3660C>T, p.Asp1220= (NM_001378578.1, NM_001378579.1, NM_001378580.1); c.3624C>T, p.Asp1208= (NM_001378582.1); and 4 more.
Identifiers: ClinVar variation 2659304 (VCV002659304.24), dbSNP rs751404195, ClinGen allele CA5121762.